The following is an entry in ClinVar:

NM_021971.4(GMPPB):c.791_808del (p.Gln264_Gly269del)

Gene: GMPPB (GDP-mannose pyrophosphorylase B; minus strand). Cytogenetic location: 3p21.31.
Variant type: Deletion.
Coding change: c.791_808del on transcript NM_021971.4 (MANE Select); coding-DNA positions 791 to 808, 18 bases deleted (AGAACTGCAGCATTGGCC).
Protein change: p.Gln264_Gly269del.
Molecular consequence: inframe deletion.
Genome position (GRCh38, 1-based): chr3:49,722,108-49,722,125, GGCCAATGCTGCAGTTCT deleted on the plus strand (AGAACTGCAGCATTGGCC on the coding strand, the reverse complement: GMPPB is on the minus strand); deleting any 18 consecutive bases within chr3:49,722,108-49,722,129 gives the same sequence; the c. name uses the placement nearest the transcript's 3' end. VCF-style (leftmost placement, unchanged base first): chr3-49722107-GGGCCAATGCTGCAGTTCT-G. GRCh37 (hg19) VCF-style: chr3-49759540-GGGCCAATGCTGCAGTTCT-G.
Other names: c.791_808del, p.Gln264_Gly269del (NM_013334.4).
Identifiers: ClinVar variation 5002676 (VCV005002676.1).

ClinVar aggregate classification (germline): Uncertain significance (1 of 4 stars; one submission).

Conditions:
Muscular dystrophy-dystroglycanopathy (congenital with impaired intellectual development), type B, 14. Also called: MUSCULAR DYSTROPHY, CONGENITAL, GMPPB-RELATED; Congenital muscular dystrophy-dystroglycanopathy with mental retardation, type B14; Muscular dystrophy-dystroglycanopathy (congenital with intellectual disability), type B14. Identifiers: MedGen C3809221, MONDO:0014141, OMIM 615351.

Submission:

OLLIN Analises Genomicas, OLLIN
Classification: Uncertain significance for Muscular dystrophy-dystroglycanopathy (congenital with impaired intellectual development), type B, 14. Last evaluated: 2026-08-06. Review status: criteria provided, single submitter. Criteria: ACMG Guidelines 2015 PMID 25741868. Collection method: clinical testing. Allele origin: germline. Inheritance: Autosomal recessive inheritance.
Comment: This in-frame deletion, located in exon 8 (of 9), is absent from gnomAD and ClinVar and has not been identified in the literature. This variant removes 6 amino acids, preserving the reading frame and leading to a reduced protein length. According to the currently available evidence, this variant has been classified as uncertain significance (PM2_P, PM3, PM4).